The following is an entry in ClinVar:

NM_004100.5(EYA4):c.1748G>T (p.Ser583Ile)

Genes: TARID (TCF21 antisense RNA inducing promoter demethylation; minus strand), EYA4 (EYA transcriptional coactivator and phosphatase 4; plus strand). Cytogenetic location: 6q23.2.
Variant type: single nucleotide variant.
Coding change: c.1748G>T on transcript NM_004100.5 (MANE Select); coding-DNA position 1748, G replaced by T.
Protein change: p.Ser583Ile; replaces serine 583 with isoleucine.
Molecular consequence: missense variant. On other transcripts: intron variant (3).
Genome position (GRCh38, 1-based): chr6:133,525,163, G>T. VCF-style: chr6-133525163-G-T. GRCh37 (hg19) VCF-style: chr6-133846301-G-T.
Other names: c.1766G>T, p.Ser589Ile (NM_001301013.2); c.1604G>T, p.Ser535Ile (NM_001370459.1); c.1679G>T, p.Ser560Ile (NM_172103.4); c.1839+48G>T (NM_172105.4); c.1770+48G>T (NM_001370458.1); c.1677+48G>T (NM_001301012.2); short protein forms S560I, S535I, S589I, S583I.
Identifiers: ClinVar variation 2711484 (VCV002711484.3), dbSNP rs749562148, ClinGen allele CA4008483.

ClinVar aggregate classification (germline): Uncertain significance (1 of 4 stars; one submission).

Conditions:
Dilated cardiomyopathy 1J (CMD1J). Also called: CARDIOMYOPATHY, DILATED, WITH SENSORINEURAL HEARING LOSS, AUTOSOMAL DOMINANT. Identifiers: Orphanet 217622, MedGen C1854368, MONDO:0011541, OMIM 605362.

Allele frequency attached by ClinVar (database versions not stated): TOPMed below 0.00001; ExAC 0.00001; gnomAD 0.00001.
gnomAD v4.1: 2 of 1,613,604 alleles (0.00012%); highest among the groups gnomAD compares: Non-Finnish European, 0.00017%; no homozygotes.

Submission:

Labcorp Genetics (formerly Invitae), Labcorp
Classification: Uncertain significance for Dilated cardiomyopathy 1J. Last evaluated: 2023-11-14. Review status: criteria provided, single submitter. Criteria: Invitae Variant Classification Sherloc (09022015). Collection method: clinical testing. Allele origin: germline.
Comment: This sequence change replaces serine, which is neutral and polar, with isoleucine, which is neutral and non-polar, at codon 583 of the EYA4 protein (p.Ser583Ile). This variant is present in population databases (rs749562148, gnomAD 0.0009%). This variant has not been reported in the literature in individuals affected with EYA4-related conditions. Advanced modeling of protein sequence and biophysical properties (such as structural, functional, and spatial information, amino acid conservation, physicochemical variation, residue mobility, and thermodynamic stability) performed at Invitae indicates that this missense variant is expected to disrupt EYA4 protein function with a positive predictive value of 80%. In summary, the available evidence is currently insufficient to determine the role of this variant in disease. Therefore, it has been classified as a Variant of Uncertain Significance.